The following is an entry in ClinVar:

NM_000539.3(RHO):c.364G>T (p.Glu122Ter)

Gene: RHO (rhodopsin; plus strand). Cytogenetic location: 3q22.1.
Variant type: single nucleotide variant.
Coding change: c.364G>T on transcript NM_000539.3 (MANE Select); coding-DNA position 364, G replaced by T.
Protein change: p.Glu122Ter; replaces glutamic acid 122 with a stop codon.
Molecular consequence: nonsense.
Genome position (GRCh38, 1-based): chr3:129,530,878, G>T. VCF-style: chr3-129530878-G-T. GRCh37 (hg19) VCF-style: chr3-129249721-G-T.
Other names: short protein forms E122*.
Identifiers: ClinVar variation 2121824 (VCV002121824.4), dbSNP rs774865494, ClinGen allele CA354497834.

ClinVar aggregate classification (germline): Pathogenic (1 of 4 stars; one submission).

Submission:

Labcorp Genetics (formerly Invitae), Labcorp
Classification: Pathogenic. Last evaluated: 2022-09-27. Review status: criteria provided, single submitter. Criteria: Invitae Variant Classification Sherloc (09022015). Collection method: clinical testing. Allele origin: germline.
Comment: This sequence change creates a premature translational stop signal (p.Glu122*) in the RHO gene. It is expected to result in an absent or disrupted protein product. Loss-of-function variants in RHO are known to be pathogenic (PMID: 1303237, 21174529). This variant is not present in population databases (gnomAD no frequency). This variant has not been reported in the literature in individuals affected with RHO-related conditions. For these reasons, this variant has been classified as Pathogenic.

Literature cited by the submitters: PubMed 1303237; PubMed 21174529.